The following is an entry in ClinVar:

ClinVar aggregate classification (germline): Pathogenic (1 of 4 stars; one submission).

Submission:

ISCA site 4
Classification: Pathogenic. Last evaluated: 2011-08-12. Review status: criteria provided, single submitter. Criteria: Kaminsky et al. (Genet Med. 2011). Collection method: clinical testing. Allele origin: unknown. Affected: yes. Observed: 1 variant allele.
Comment: Copy number variation identified through the course of routine clinical cytogenomic testing in postnatal populations. Clinical assertions have been curated as described in Kaminsky et al. 2011.

GRCh38/hg38 8q24.21-24.3(chr8:128220912-145049449)x3

Genes: MIR937 (microRNA 937; minus strand), MIR939 (microRNA 939; minus strand), MROH1 (maestro heat like repeat family member 1; plus strand), MROH5 (maestro heat like repeat family member 5 (gene/pseudogene); minus strand), MROH6 (maestro heat like repeat family member 6; minus strand) and 566 more. Cytogenetic location: 8q24.21-24.3.
Variant type: copy number gain.
Change: copy number 3 (three copies instead of two) of chr8:128,220,912-145,049,449 (16.83 Mb, GRCh38 coordinates, 1-based), cytogenetic band 8q24.21-24.3.
Identifiers: ClinVar variation 57179 (VCV000057179.1).